The following is an entry in ClinVar:

ClinVar aggregate classification (germline): Uncertain significance (1 of 4 stars; one submission).

Conditions:
Cardiovascular phenotype. Identifiers: MedGen CN230736.

Submission:

Ambry Genetics
Classification: Uncertain significance for Cardiovascular phenotype. Last evaluated: 2025-05-30. Review status: criteria provided, single submitter. Criteria: Ambry Variant Classification Scheme 2023. Collection method: clinical testing. Allele origin: germline.
Comment: The p.C201S variant (also known as c.601T>A), located in coding exon 5 of the SCN4B gene, results from a T to A substitution at nucleotide position 601. The cysteine at codon 201 is replaced by serine, an amino acid with dissimilar properties. This amino acid position is conserved. In addition, this alteration is predicted to be deleterious by in silico analysis. Based on the available evidence, the clinical significance of this variant remains unclear.

NM_174934.4(SCN4B):c.601T>A (p.Cys201Ser)

Gene: SCN4B (sodium voltage-gated channel beta subunit 4; minus strand). Cytogenetic location: 11q23.3.
Variant type: single nucleotide variant.
Coding change: c.601T>A on transcript NM_174934.4 (MANE Select); coding-DNA position 601, T replaced by A.
Protein change: p.Cys201Ser; replaces cysteine 201 with serine.
Molecular consequence: missense variant. On other transcripts: non-coding transcript variant (1).
Genome position (GRCh38, 1-based): chr11:118,137,113, A>T on the plus strand (T>A on the coding strand, the complement: SCN4B is on the minus strand). VCF-style: chr11-118137113-A-T. GRCh37 (hg19) VCF-style: chr11-118007828-A-T.
Other names: c.199T>A, p.Cys67Ser (NM_001142348.2); c.271T>A, p.Cys91Ser (NM_001142349.2); short protein forms C201S, C67S, C91S.
Identifiers: ClinVar variation 3950955 (VCV003950955.1).